The following is an entry in ClinVar:

NM_016222.4(DDX41):c.1054A>G (p.Met352Val)

Gene: DDX41 (DEAD-box helicase 41; minus strand). Cytogenetic location: 5q35.3.
Variant type: single nucleotide variant.
Coding change: c.1054A>G on transcript NM_016222.4 (MANE Select); coding-DNA position 1054, A replaced by G.
Protein change: p.Met352Val; replaces methionine 352 with valine.
Molecular consequence: missense variant.
Genome position (GRCh38, 1-based): chr5:177,513,729, T>C on the plus strand (A>G on the coding strand, the complement: DDX41 is on the minus strand). VCF-style: chr5-177513729-T-C. GRCh37 (hg19) VCF-style: chr5-176940730-T-C.
Other names: c.676A>G, p.Met226Val (NM_001321732.2, NM_001321830.2); short protein forms M226V, M352V.
Identifiers: ClinVar variation 3693398 (VCV003693398.3).

ClinVar aggregate classification (germline): Uncertain significance. Review status: criteria provided, multiple submitters, no conflicts (2 of 4 stars). 2 submissions from 2 submitters: Uncertain significance (2). Last evaluated 2024-11-05.

gnomAD v4.1: 1 of 1,613,808 alleles (0.000062%); highest among the groups gnomAD compares: Non-Finnish European, 0.000085%; no homozygotes.

Submissions (2):

Labcorp Genetics (formerly Invitae), Labcorp
Classification: Uncertain significance. Last evaluated: 2024-11-05. Review status: criteria provided, single submitter. Criteria: Invitae Variant Classification Sherloc (09022015). Collection method: clinical testing. Allele origin: germline.
Comment: This sequence change replaces methionine, which is neutral and non-polar, with valine, which is neutral and non-polar, at codon 352 of the DDX41 protein (p.Met352Val). This variant is not present in population databases (gnomAD no frequency). This variant has not been reported in the literature in individuals affected with DDX41-related conditions. An algorithm developed to predict the effect of missense changes on protein structure and function (PolyPhen-2) suggests that this variant is likely to be tolerated. In summary, the available evidence is currently insufficient to determine the role of this variant in disease. Therefore, it has been classified as a Variant of Uncertain Significance.

Blueprint Genetics
Classification: Uncertain significance. Last evaluated: 2020-12-29. Review status: criteria provided, single submitter. Criteria: ACMG Guidelines, 2015. Collection method: clinical testing. Allele origin: germline.